The following is an entry in ClinVar:

NM_000214.3(JAG1):c.440-3T>C

Gene: JAG1 (jagged canonical Notch ligand 1; minus strand). Cytogenetic location: 20p12.2.
Variant type: single nucleotide variant.
Coding change: c.440-3T>C on transcript NM_000214.3 (MANE Select); 3 bases into the intron before coding-DNA position 440, T replaced by C.
Molecular consequence: intron variant.
Genome position (GRCh38, 1-based): chr20:10,658,725, A>G on the plus strand (T>C on the coding strand, the complement: JAG1 is on the minus strand). VCF-style: chr20-10658725-A-G. GRCh37 (hg19) VCF-style: chr20-10639373-A-G.
Identifiers: ClinVar variation 680853 (VCV000680853.1), dbSNP rs1292445129, ClinGen allele CA741107455.
Genomic context (GRCh38, chr20:10,658,725, plus strand): 5'-TGCCGGCTGGGGTTGATCATGCCCGAGTGAGAAGCCTTTTCAATAATACTGTCAGGTTCT[A>G]GAGACAAAGTGATGAATCATGTTAATATTCACATTGCAGCCTTCTTCCCTGACCATTTTG-3'

ClinVar aggregate classification (germline): Likely benign (1 of 4 stars; one submission).

Allele frequency attached by ClinVar (database versions not stated): TOPMed below 0.00001 and 0.00001.

Submission:

GeneDx
Classification: Likely benign. Last evaluated: 2018-03-23. Review status: criteria provided, single submitter. Criteria: GeneDx Variant Classification (06012015). Collection method: clinical testing. Allele origin: germline. Affected: yes.
Comment: This variant is considered likely benign or benign based on one or more of the following criteria: it is a conservative change, it occurs at a poorly conserved position in the protein, it is predicted to be benign by multiple in silico algorithms, and/or has population frequency not consistent with disease.